The following is an entry in ClinVar:

ClinVar aggregate classification (germline): Uncertain significance (1 of 4 stars; one submission).

Conditions:
Familial cancer of breast. Also called: hereditary breast carcinoma; Hereditary breast cancer; BREAST CANCER, FAMILIAL. Identifiers: Orphanet 227535, MedGen C0346153, MONDO:0016419, OMIM 114480. Disease mechanism: loss of function.

Submission:

Labcorp Genetics (formerly Invitae), Labcorp
Classification: Uncertain significance for Familial cancer of breast. Last evaluated: 2025-02-27. Review status: criteria provided, single submitter. Criteria: Invitae Variant Classification Sherloc (09022015). Collection method: clinical testing. Allele origin: germline.
Comment: This sequence change replaces alanine, which is neutral and non-polar, with valine, which is neutral and non-polar, at codon 613 of the BARD1 protein (p.Ala613Val). This variant is not present in population databases (gnomAD no frequency). This variant has not been reported in the literature in individuals affected with BARD1-related conditions. ClinVar contains an entry for this variant (Variation ID: 1500039). An algorithm developed to predict the effect of missense changes on protein structure and function (PolyPhen-2) suggests that this variant is likely to be tolerated. In summary, the available evidence is currently insufficient to determine the role of this variant in disease. Therefore, it has been classified as a Variant of Uncertain Significance.

NM_000465.4(BARD1):c.1838C>T (p.Ala613Val)

Gene: BARD1 (BRCA1 associated RING domain 1; minus strand). Cytogenetic location: 2q35.
Variant type: single nucleotide variant.
Coding change: c.1838C>T on transcript NM_000465.4 (MANE Select); coding-DNA position 1838, C replaced by T.
Protein change: p.Ala613Val; replaces alanine 613 with valine.
Molecular consequence: missense variant. On other transcripts: non-coding transcript variant (3), intron variant (1).
Genome position (GRCh38, 1-based): chr2:214,745,132, G>A on the plus strand (C>T on the coding strand, the complement: BARD1 is on the minus strand). VCF-style: chr2-214745132-G-A. GRCh37 (hg19) VCF-style: chr2-215609856-G-A.
Other names: c.1781C>T, p.Ala594Val (NM_001282543.2); c.485C>T, p.Ala162Val (NM_001282545.2); c.428C>T, p.Ala143Val (NM_001282548.2); c.365-14624C>T (NM_001282549.2); short protein forms A594V, A162V, A143V, A613V.
Identifiers: ClinVar variation 1500039 (VCV001500039.9), dbSNP rs146629794, ClinGen allele CA350452255.